The following is an entry in ClinVar:

NM_013386.5(SLC25A24):c.1235G>A (p.Arg412His)

Gene: SLC25A24 (solute carrier family 25 member 24; minus strand). Cytogenetic location: 1p13.3.
Variant type: single nucleotide variant.
Coding change: c.1235G>A on transcript NM_013386.5 (MANE Select); coding-DNA position 1235, G replaced by A.
Protein change: p.Arg412His; replaces arginine 412 with histidine.
Molecular consequence: missense variant.
Genome position (GRCh38, 1-based): chr1:108,139,072, C>T on the plus strand (G>A on the coding strand, the complement: SLC25A24 is on the minus strand). VCF-style: chr1-108139072-C-T. GRCh37 (hg19) VCF-style: chr1-108681694-C-T.
Other names: c.1178G>A, p.Arg393His (NM_213651.3); c.1235G>A (NM_013386.3); short protein forms R412H, R393H.
Identifiers: ClinVar variation 3022169 (VCV003022169.4), dbSNP rs781747926, ClinGen allele CA979053.
Genomic context (GRCh38, chr1:108,139,072, plus strand): 5'-CTGGTGCAGCACTTTTATCGGTGTGGTTCTGTAATCAAAAATTCACCTTGAGCCTGCATG[C>T]GAGTTCTCACCAAAGCCAATGGGTAGCTGGCCAGCTGACCACAGGTGCTGGATAAGGCAC-3'
Protein context (NP_037518.3, residues 402-422): ASYPLALVRT[Arg412His]MQAQAMLEGS

ClinVar aggregate classification (germline): Uncertain significance. Review status: criteria provided, multiple submitters, no conflicts (2 of 4 stars). 2 submissions from 2 submitters: Uncertain significance (2). Last evaluated 2025-10-22.

Conditions:
Inborn genetic diseases. Identifiers: MedGen C0950123, MeSH D030342.

Allele frequency attached by ClinVar (database versions not stated): ExAC 0.00001; gnomAD 0.00002.

Submissions (2):

Ambry Genetics
Classification: Uncertain significance for Inborn genetic diseases. Last evaluated: 2025-10-22. Review status: criteria provided, single submitter. Criteria: Ambry Variant Classification Scheme 2023. Collection method: clinical testing. Allele origin: germline.

Labcorp Genetics (formerly Invitae), Labcorp
Classification: Uncertain significance. Last evaluated: 2023-11-01. Review status: criteria provided, single submitter. Criteria: Invitae Variant Classification Sherloc (09022015). Collection method: clinical testing. Allele origin: germline.
Comment: This sequence change replaces arginine, which is basic and polar, with histidine, which is basic and polar, at codon 412 of the SLC25A24 protein (p.Arg412His). This variant is present in population databases (rs781747926, gnomAD 0.006%). This variant has not been reported in the literature in individuals affected with SLC25A24-related conditions. Advanced modeling of protein sequence and biophysical properties (such as structural, functional, and spatial information, amino acid conservation, physicochemical variation, residue mobility, and thermodynamic stability) performed at Invitae indicates that this missense variant is not expected to disrupt SLC25A24 protein function with a negative predictive value of 80%. In summary, the available evidence is currently insufficient to determine the role of this variant in disease. Therefore, it has been classified as a Variant of Uncertain Significance.